The following is an entry in ClinVar:

ClinVar aggregate classification (germline): Conflicting classifications of pathogenicity. Review status: criteria provided, conflicting classifications (1 of 4 stars). 2 submissions from 2 submitters: Uncertain significance (1); Likely benign (1). Last evaluated 2024-08-11.

Conditions:
Hereditary cancer-predisposing syndrome. Also called: Hereditary neoplastic syndrome; Neoplastic Syndromes, Hereditary; Tumor predisposition; Hereditary Cancer Syndrome. Identifiers: Orphanet 140162, MedGen C0027672, MeSH D009386, MONDO:0015356.
Hereditary diffuse gastric adenocarcinoma (HDGC). Also called: DIFFUSE GASTRIC AND LOBULAR BREAST CANCER SYNDROME. Identifiers: Orphanet 26106, MedGen C1708349, MONDO:0007648, OMIM 137215.

Submissions (2):

Labcorp Genetics (formerly Invitae), Labcorp
Classification: Uncertain significance for Hereditary diffuse gastric adenocarcinoma. Last evaluated: 2024-08-11. Review status: criteria provided, single submitter. Criteria: Invitae Variant Classification Sherloc (09022015). Collection method: clinical testing. Allele origin: germline.
Comment: This sequence change replaces alanine, which is neutral and non-polar, with threonine, which is neutral and polar, at codon 241 of the CDH1 protein (p.Ala241Thr). This variant is not present in population databases (gnomAD no frequency). This variant has not been reported in the literature in individuals affected with CDH1-related conditions. ClinVar contains an entry for this variant (Variation ID: 485475). An algorithm developed to predict the effect of missense changes on protein structure and function (PolyPhen-2) suggests that this variant is likely to be tolerated. In summary, the available evidence is currently insufficient to determine the role of this variant in disease. Therefore, it has been classified as a Variant of Uncertain Significance.

Ambry Genetics
Classification: Likely benign for Hereditary cancer-predisposing syndrome. Last evaluated: 2024-03-27. Review status: criteria provided, single submitter. Criteria: Ambry Variant Classification Scheme 2023. Collection method: clinical testing. Allele origin: germline.

NM_004360.5(CDH1):c.721G>A (p.Ala241Thr)

Gene: CDH1 (cadherin 1; plus strand). Cytogenetic location: 16q22.1.
Variant type: single nucleotide variant.
Coding change: c.721G>A on transcript NM_004360.5 (MANE Select); coding-DNA position 721, G replaced by A.
Protein change: p.Ala241Thr; replaces alanine 241 with threonine.
Molecular consequence: missense variant. On other transcripts: 5 prime UTR variant (2).
Genome position (GRCh38, 1-based): chr16:68,810,230, G>A. VCF-style: chr16-68810230-G-A. GRCh37 (hg19) VCF-style: chr16-68844133-G-A.
Other names: c.721G>A (LRG_301t1); c.721G>A, p.Ala241Thr (NM_001317184.2); c.-895G>A (NM_001317185.2); c.-1099G>A (NM_001317186.2); short protein forms A241T.
Identifiers: ClinVar variation 485475 (VCV000485475.9), dbSNP rs1555515434, ClinGen allele CA396458467.